The following is an entry in ClinVar:

ClinVar aggregate classification (germline): Uncertain significance (1 of 4 stars; one submission).

Conditions:
Shwachman-Diamond syndrome 1 (SDS1). Also called: LIPOMATOSIS OF PANCREAS, CONGENITAL. Identifiers: MedGen C4692625, MONDO:0044204, OMIM 260400.
Aplastic anemia. Identifiers: Orphanet 182040, Orphanet 88, MedGen C0002874, MONDO:0015909, OMIM 609135, HP:0001915.

Submission:

Juno Genomics, Hangzhou Juno Genomics, Inc
Classification: Uncertain significance for Aplastic anemia; Shwachman-Diamond syndrome 1. Review status: criteria provided, single submitter. Criteria: ACMG Guidelines, 2015. Collection method: clinical testing. Allele origin: germline.
Comment: Absent from controls (or at extremely low frequency if recessive) in Genome Aggregation Database.;Multiple lines of computational evidence support a deleterious effect on the gene or gene product.

NM_016038.4(SBDS):c.461C>G (p.Ala154Gly)

Gene: SBDS (SBDS ribosome maturation factor; minus strand). Cytogenetic location: 7q11.21.
Variant type: single nucleotide variant.
Coding change: c.461C>G on transcript NM_016038.4 (MANE Select); coding-DNA position 461, C replaced by G.
Protein change: p.Ala154Gly; replaces alanine 154 with glycine.
Molecular consequence: missense variant.
Genome position (GRCh38, 1-based): chr7:66,991,300, G>C on the plus strand (C>G on the coding strand, the complement: SBDS is on the minus strand). VCF-style: chr7-66991300-G-C. GRCh37 (hg19) VCF-style: chr7-66456287-G-C.
Other names: short protein forms A154G.
Identifiers: ClinVar variation 5007227 (VCV005007227.2).